The following is an entry in ClinVar:

ClinVar aggregate classification (germline): Likely pathogenic (1 of 4 stars; one submission).

Conditions:
Autosomal recessive limb-girdle muscular dystrophy type 2J (LGMDR10). Also called: Limb-girdle muscular dystrophy, type 2J; MUSCULAR DYSTROPHY, LIMB-GIRDLE, AUTOSOMAL RECESSIVE 10. Identifiers: Orphanet 140922, MedGen C1837342, MONDO:0012127, OMIM 608807.
Dilated cardiomyopathy 1G (CMD1G). Identifiers: Orphanet 154, MedGen C1858763, MONDO:0011400, OMIM 604145.

Submission:

Labcorp Genetics (formerly Invitae), Labcorp
Classification: Likely pathogenic for Dilated cardiomyopathy 1G; Autosomal recessive limb-girdle muscular dystrophy type 2J. Last evaluated: 2023-11-22. Review status: criteria provided, single submitter. Criteria: Invitae Variant Classification Sherloc (09022015). Collection method: clinical testing. Allele origin: germline.
Comment: This sequence change creates a premature translational stop signal (p.Lys27210Ilefs*8) in the TTN gene. While this is not anticipated to result in nonsense mediated decay, it is expected to create a truncated TTN protein. This variant is not present in population databases (gnomAD no frequency). This variant has not been reported in the literature in individuals affected with TTN-related conditions. This variant is located in the A band of TTN (PMID: 25589632). Truncating variants in this region are significantly overrepresented in patients affected with dilated cardiomyopathy (PMID: 25589632). Truncating variants in this region have also been reported in individuals affected with autosomal recessive centronuclear myopathy (PMID: 23975875). In summary, the currently available evidence indicates that the variant is pathogenic, but additional data are needed to prove that conclusively. Therefore, this variant has been classified as Likely Pathogenic.

Literature cited by the submitters: PubMed 25589632; PubMed 23975875.

NM_001267550.2(TTN):c.81629_81632del (p.Lys27210fs)

Genes: TTN (titin; minus strand), TTN-AS1 (TTN antisense RNA 1; plus strand). Cytogenetic location: 2q31.2.
Variant type: Microsatellite.
Coding change: c.81629_81632del on transcript NM_001267550.2 (MANE Select); coding-DNA positions 81629 to 81632, 4 bases deleted (AAGA; older notation c.81629_81632delAAGA).
Protein change: p.Lys27210fs; shifts the reading frame from lysine 27210.
Molecular consequence: frameshift variant.
Genome position (GRCh38, 1-based): chr2:178,564,500-178,564,503, TCTT deleted on the plus strand (AAGA on the coding strand, the reverse complement: TTN is on the minus strand); deleting any 4 consecutive bases within chr2:178,564,500-178,564,508 gives the same sequence; the c. name uses the placement nearest the transcript's 3' end. VCF-style (leftmost placement, unchanged base first): chr2-178564499-ATCTT-A. GRCh37 (hg19) VCF-style: chr2-179429226-ATCTT-A.
Other names: c.76706_76709del, p.Lys25569fs (NM_001256850.1); c.54434_54437del, p.Lys18145fs (NM_003319.4); c.73925_73928del, p.Lys24642fs (NM_133378.4); c.54809_54812del, p.Lys18270fs (NM_133432.3); c.55010_55013del, p.Lys18337fs (NM_133437.4); short protein forms K18145fs, K25569fs, K18337fs, K27210fs, K18270fs, K24642fs.
Identifiers: ClinVar variation 2954119 (VCV002954119.3), dbSNP rs2468208745, ClinGen allele CA2740095913.